The following is an entry in ClinVar:

NM_001199107.2(TBC1D24):c.864A>G (p.Lys288=)

Gene: TBC1D24 (TBC1 domain family member 24; plus strand). Cytogenetic location: 16p13.3.
Variant type: single nucleotide variant.
Coding change: c.864A>G on transcript NM_001199107.2 (MANE Select); coding-DNA position 864, A replaced by G.
Protein change: p.Lys288=; no amino-acid change (lysine 288 retained).
Molecular consequence: synonymous variant.
Genome position (GRCh38, 1-based): chr16:2,497,012, A>G. VCF-style: chr16-2497012-A-G. GRCh37 (hg19) VCF-style: chr16-2547013-A-G.
Other names: c.864A>G, p.Lys288= (NM_020705.3).
Identifiers: ClinVar variation 701932 (VCV000701932.47), dbSNP rs777237669, ClinGen allele CA7844087.

ClinVar aggregate classification (germline): Likely benign. Review status: criteria provided, multiple submitters, no conflicts (2 of 4 stars). 4 submissions from 4 submitters: Likely benign (4). Last evaluated 2025-11-02.

Conditions:
Developmental and epileptic encephalopathy, 1 (DEE1). Also called: Epileptic encephalopathy, early infantile, 1; X-linked infantile spasms; West's syndrome; Tonic spasms with clustering, arrest of psychomotor development and hypsarrhythmia on EEG; X-Linked Infantile Spasm Syndrome; OHTAHARA SYNDROME, X-LINKED. Identifiers: MedGen C3463992, MONDO:0010632, OMIM 308350. Disease mechanism: loss of function.
Autosomal dominant nonsyndromic hearing loss 65. Also called: TBC1D24-Related Autosomal Dominant Nonsyndromic Hearing Loss (DFNA); Deafness, autosomal dominant 65. Identifiers: Orphanet 90635, MedGen C3892048, MONDO:0014470, OMIM 616044.
Inborn genetic diseases. Identifiers: MedGen C0950123, MeSH D030342.

Allele frequency attached by ClinVar (database versions not stated): gnomAD exomes 0.00002 and 0.00005; TOPMed 0.00002; gnomAD 0.00003 and 0.00004; ExAC 0.00006.
gnomAD v4.1: 41 of 1,613,726 alleles (0.0025%); highest among the groups gnomAD compares: Non-Finnish European, 0.0032%; no homozygotes.

Submissions (4):

Labcorp Genetics (formerly Invitae), Labcorp
Classification: Likely benign for Developmental and epileptic encephalopathy, 1; Autosomal dominant nonsyndromic hearing loss 65. Last evaluated: 2025-11-02. Review status: criteria provided, single submitter. Criteria: Invitae Variant Classification Sherloc (09022015). Collection method: clinical testing. Allele origin: germline.

CeGaT Center for Human Genetics Tuebingen
Classification: Likely benign. Last evaluated: 2025-08-01. Review status: criteria provided, single submitter. Criteria: CeGaT Center For Human Genetics Tuebingen Variant Classification Criteria Version 2. Collection method: clinical testing. Allele origin: germline. Affected: yes. Observed: 2 variant alleles.
Comment: TBC1D24: BP4, BP7

Blueprint Genetics
Classification: Likely benign. Last evaluated: 2023-08-03. Review status: criteria provided, single submitter. Criteria: ACMG Guidelines, 2015. Collection method: clinical testing. Allele origin: germline.

Ambry Genetics
Classification: Likely benign for Inborn genetic diseases. Last evaluated: 2019-12-30. Review status: criteria provided, single submitter. Criteria: Ambry Variant Classification Scheme 2023. Collection method: clinical testing. Allele origin: germline.